The following is an entry in ClinVar:

NM_004522.2(KIF5C):c.1907_1913del

Gene: KIF5C (kinesin family member 5C; plus strand). Cytogenetic location: 2q23.1.
Variant type: Deletion.
Coding change: c.1907_1913del on transcript NM_004522.2; coding-DNA positions 1907 to 1913, 7 bases deleted (ACGAAGC; older notation c.1907_1913delACGAAGC).
Genome position (GRCh38, 1-based): chr2:148,994,422-148,994,428, ACGAAGC deleted; deleting any 7 consecutive bases within chr2:148,994,418-148,994,428 gives the same sequence; the c. name uses the placement nearest the transcript's 3' end. VCF-style (leftmost placement, unchanged base first): chr2-148994417-AAAGCACG-A. GRCh37 (hg19) VCF-style: chr2-149850931-AAAGCACG-A.
Identifiers: ClinVar variation 4538833 (VCV004538833.2).

ClinVar aggregate classification (germline): Likely pathogenic (1 of 4 stars; one submission).

Submission:

GeneDx
Classification: Likely pathogenic. Last evaluated: 2026-07-14. Review status: criteria provided, single submitter. Criteria: GeneDx Variant Classification Process June 2021. Collection method: clinical testing. Allele origin: germline.
Comment: Frameshift variant predicted to result in protein truncation or nonsense mediated decay in a gene for which loss-of-function is not an established mechanism of disease; Not observed at significant frequency in large population cohorts (gnomAD); Has not been previously published as pathogenic or benign to our knowledge